The following is an entry in ClinVar:

ClinVar aggregate classification (germline): Pathogenic (1 of 4 stars; one submission).

Conditions:
Marfan syndrome (MFS). Also called: MARFAN SYNDROME, TYPE I; Marfan syndrome type 1; Marfan's syndrome; Marfan syndrome, classic; FBN1-Related Marfan Syndrome. Identifiers: Orphanet 284963, Orphanet 558, MedGen C0024796, MONDO:0007947, OMIM 154700.
Familial thoracic aortic aneurysm and aortic dissection (TAAD). Also called: Thoracic aortic aneurysms and dissections. Identifiers: Orphanet 91387, MedGen C4707243, MONDO:0019625.

Submission:

Labcorp Genetics (formerly Invitae), Labcorp
Classification: Pathogenic for Marfan syndrome; Familial thoracic aortic aneurysm and aortic dissection. Last evaluated: 2023-10-03. Review status: criteria provided, single submitter. Criteria: Invitae Variant Classification Sherloc (09022015). Collection method: clinical testing. Allele origin: germline.
Comment: This sequence change replaces cysteine, which is neutral and slightly polar, with serine, which is neutral and polar, at codon 2258 of the FBN1 protein (p.Cys2258Ser). This variant is not present in population databases (gnomAD no frequency). This variant has not been reported in the literature in individuals affected with FBN1-related conditions. Advanced modeling of protein sequence and biophysical properties (such as structural, functional, and spatial information, amino acid conservation, physicochemical variation, residue mobility, and thermodynamic stability) performed at Invitae indicates that this missense variant is expected to disrupt FBN1 protein function. This variant affects a cysteine residue in the EGF-like, TGFBP or hybrid motif domains of FBN1. Cysteine residues are believed to be involved in intramolecular disulfide bridges and have been shown to be important for FBN1 protein structure (PMID: 16905551, 19349279). In addition, missense substitutions affecting cysteine residues within these domains are significantly overrepresented among patients with Marfan syndrome (PMID: 16571647, 17701892). This variant disrupts the p.Cys2258 amino acid residue in FBN1. Other variant(s) that disrupt this residue have been observed in individuals with FBN1-related conditions (PMID: 9338581, 10647894, 27906200, 31211624; Invitae), which suggests that this may be a clinically significant amino acid residue. For these reasons, this variant has been classified as Pathogenic.

Literature cited by the submitters: PubMed 16905551; PubMed 19349279; PubMed 16571647; PubMed 17701892; PubMed 9338581; PubMed 10647894; PubMed 27906200; PubMed 31211624.

NM_000138.5(FBN1):c.6773G>C (p.Cys2258Ser)

Gene: FBN1 (fibrillin 1; minus strand). Cytogenetic location: 15q21.1.
Variant type: single nucleotide variant.
Coding change: c.6773G>C on transcript NM_000138.5 (MANE Select); coding-DNA position 6773, G replaced by C.
Protein change: p.Cys2258Ser; replaces cysteine 2258 with serine.
Molecular consequence: missense variant.
Genome position (GRCh38, 1-based): chr15:48,430,769, C>G on the plus strand (G>C on the coding strand, the complement: FBN1 is on the minus strand). VCF-style: chr15-48430769-C-G. GRCh37 (hg19) VCF-style: chr15-48722966-C-G.
Other names: c.6773G>C, p.Cys2258Ser (NM_001406716.1); short protein forms C2258S.
Identifiers: ClinVar variation 2940505 (VCV002940505.3), dbSNP rs886039047, ClinGen allele CA392332706.